The following is an entry in ClinVar:

NM_001378615.1(CC2D2A):c.2731T>C (p.Phe911Leu)

Genes: FBXL5 (F-box and leucine rich repeat protein 5; minus strand), CC2D2A (coiled-coil and C2 domain containing 2A; plus strand). Cytogenetic location: 4p15.32.
Variant type: single nucleotide variant.
Coding change: c.2731T>C on transcript NM_001378615.1 (MANE Select); coding-DNA position 2731, T replaced by C.
Protein change: p.Phe911Leu; replaces phenylalanine 911 with leucine.
Molecular consequence: missense variant.
Genome position (GRCh38, 1-based): chr4:15,557,409, T>C. VCF-style: chr4-15557409-T-C. GRCh37 (hg19) VCF-style: chr4-15559032-T-C.
Other names: c.2731T>C, p.Phe911Leu (NM_001080522.2); c.2584T>C, p.Phe862Leu (NM_001378617.1); short protein forms F911L, F862L.
Identifiers: ClinVar variation 347842 (VCV000347842.16), dbSNP rs368886216, ClinGen allele CA2863998.

ClinVar aggregate classification (germline): Conflicting classifications of pathogenicity. Review status: criteria provided, conflicting classifications (1 of 4 stars). 6 submissions from 5 submitters: Uncertain significance (5); Likely benign (1). Last evaluated 2025-11-25.

Conditions:
Inborn genetic diseases. Identifiers: MedGen C0950123, MeSH D030342.
Meckel-Gruber syndrome. Also called: Dysencephalia splachnocystica; DYSENCEPHALIA SPLANCHNOCYSTICA; GRUBER SYNDROME. Identifiers: Orphanet 564, MedGen C0265215, MONDO:0018921.
Joubert syndrome. Also called: JOUBERT-BOLTSHAUSER SYNDROME; Familial aplasia of the vermis. Identifiers: Orphanet 475, MedGen C5979921, MONDO:0018772.
Joubert syndrome 9 (JBTS9). Identifiers: Orphanet 2318, MedGen C2676788, MONDO:0012849, OMIM 612285.
Meckel syndrome, type 6. Identifiers: Orphanet 564, MedGen C2676790, MONDO:0012848, OMIM 612284.

Allele frequency attached by ClinVar (database versions not stated): gnomAD exomes 0.00001 and 0.00003; ExAC 0.00003; gnomAD 0.00009 and 0.00011; TOPMed 0.00010; ESP Exome Variant Server 0.00025.
gnomAD v4.1: 25 of 1,613,436 alleles (0.0015%); highest among the groups gnomAD compares: African/African-American, 0.033%; no homozygotes.

Submissions (6):

Labcorp Genetics (formerly Invitae), Labcorp
Classification: Likely benign for Joubert syndrome; Meckel-Gruber syndrome. Last evaluated: 2025-11-25. Review status: criteria provided, single submitter. Criteria: Invitae Variant Classification Sherloc (09022015). Collection method: clinical testing. Allele origin: germline.

Ambry Genetics
Classification: Uncertain significance for Inborn genetic diseases. Last evaluated: 2024-11-26. Review status: criteria provided, single submitter. Criteria: Ambry Variant Classification Scheme 2023. Collection method: clinical testing. Allele origin: germline.

Blueprint Genetics
Classification: Uncertain significance. Last evaluated: 2023-07-12. Review status: criteria provided, single submitter. Criteria: ACMG Guidelines, 2015. Collection method: clinical testing. Allele origin: germline.

GeneDx
Classification: Uncertain significance. Last evaluated: 2019-07-08. Review status: criteria provided, single submitter. Criteria: GeneDx Variant Classification Process June 2021. Collection method: clinical testing. Allele origin: germline. Affected: yes.
Comment: In silico analysis, which includes protein predictors and evolutionary conservation, supports a deleterious effect; Has not been previously published as pathogenic or benign to our knowledge

Illumina Laboratory Services, Illumina
Classification: Uncertain significance for Joubert syndrome 9. Last evaluated: 2018-01-12. Review status: criteria provided, single submitter. Criteria: ICSL Variant Classification Criteria 13 December 2019. Collection method: clinical testing. Allele origin: germline.

Illumina Laboratory Services, Illumina
Classification: Uncertain significance for Meckel syndrome, type 6. Last evaluated: 2018-01-12. Review status: criteria provided, single submitter. Criteria: ICSL Variant Classification Criteria 13 December 2019. Collection method: clinical testing. Allele origin: germline.